The following is an entry in ClinVar:

NM_000268.4(NF2):c.607G>A (p.Ala203Thr)

Gene: NF2 (NF2, moesin-ezrin-radixin like (MERLIN) tumor suppressor; plus strand). Cytogenetic location: 22q12.2.
Variant type: single nucleotide variant.
Coding change: c.607G>A on transcript NM_000268.4 (MANE Select); coding-DNA position 607, G replaced by A.
Protein change: p.Ala203Thr; replaces alanine 203 with threonine.
Molecular consequence: missense variant. On other transcripts: non-coding transcript variant (1), intron variant (1).
Genome position (GRCh38, 1-based): chr22:29,658,196, G>A. VCF-style: chr22-29658196-G-A. GRCh37 (hg19) VCF-style: chr22-30054185-G-A.
Other names: c.607G>A, p.Ala203Thr (NM_016418.5, NM_181825.3, NM_181832.3); c.481G>A, p.Ala161Thr (NM_181828.3); c.484G>A, p.Ala162Thr (NM_181829.3); c.358G>A, p.Ala120Thr (NM_181830.3, NM_181831.3); c.447+15911G>A (NM_181833.3); c.607G>A (NM_000268.3); short protein forms A203T, A161T, A120T, A162T.
Identifiers: ClinVar variation 1415977 (VCV001415977.11), dbSNP rs2146989272, ClinGen allele CA411142977.

ClinVar aggregate classification (germline): Uncertain significance. Review status: criteria provided, multiple submitters, no conflicts (2 of 4 stars). 4 submissions from 4 submitters: Uncertain significance (4). Last evaluated 2025-07-05.

Conditions:
Hereditary cancer-predisposing syndrome. Also called: Hereditary Cancer Syndrome; Neoplastic Syndromes, Hereditary; Hereditary neoplastic syndrome; Tumor predisposition. Identifiers: Orphanet 140162, MedGen C0027672, MeSH D009386, MONDO:0015356.
Neurofibromatosis, type 2 (SWNV). Also called: BILATERAL ACOUSTIC NEUROFIBROMATOSIS; SCHWANNOMATOSIS, VESTIBULAR; NF2-Related Schwannomatosis. Identifiers: Orphanet 637, MedGen C0027832, MONDO:0007039, OMIM 101000. Disease mechanism: loss of function.

Allele frequency attached by ClinVar (database versions not stated): gnomAD exomes below 0.00001.
gnomAD v4.1: 3 of 1,614,112 alleles (0.00019%); highest among the groups gnomAD compares: Non-Finnish European, 0.00025%; no homozygotes.

Submissions (4):

Color Diagnostics, LLC DBA Color Health
Classification: Uncertain significance for Neurofibromatosis, type 2. Last evaluated: 2025-07-05. Review status: criteria provided, single submitter. Criteria: ACMG Guidelines, 2015. Collection method: clinical testing. Allele origin: germline.
Comment: This missense variant replaces alanine with threonine at codon 203 of the NF2 protein. Computational prediction suggests that this variant may have deleterious impact on protein structure and function. To our knowledge, functional studies have not been reported for this variant. This variant has not been reported as a germline variant in individuals affected with NF2-related disorders in the literature. This variant has not been identified in the general population by the Genome Aggregation Database (gnomAD). The available evidence is insufficient to determine the role of this variant in disease conclusively. Therefore, this variant is classified as a Variant of Uncertain Significance.

Ambry Genetics
Classification: Uncertain significance for Hereditary cancer-predisposing syndrome. Last evaluated: 2025-01-15. Review status: criteria provided, single submitter. Criteria: Ambry Variant Classification Scheme 2023. Collection method: clinical testing. Allele origin: germline.

Labcorp Genetics (formerly Invitae), Labcorp
Classification: Uncertain significance for Neurofibromatosis, type 2. Last evaluated: 2024-04-29. Review status: criteria provided, single submitter. Criteria: Invitae Variant Classification Sherloc (09022015). Collection method: clinical testing. Allele origin: germline.
Comment: This sequence change replaces alanine, which is neutral and non-polar, with threonine, which is neutral and polar, at codon 203 of the NF2 protein (p.Ala203Thr). This variant is not present in population databases (gnomAD no frequency). This variant has not been reported in the literature in individuals affected with NF2-related conditions. ClinVar contains an entry for this variant (Variation ID: 1415977). Advanced modeling of protein sequence and biophysical properties (such as structural, functional, and spatial information, amino acid conservation, physicochemical variation, residue mobility, and thermodynamic stability) performed at Invitae indicates that this missense variant is expected to disrupt NF2 protein function with a positive predictive value of 80%. In summary, the available evidence is currently insufficient to determine the role of this variant in disease. Therefore, it has been classified as a Variant of Uncertain Significance.

All of Us Research Program, National Institutes of Health
Classification: Uncertain significance for Neurofibromatosis, type 2. Last evaluated: 2023-06-08. Review status: criteria provided, single submitter. Criteria: ACMG Guidelines, 2015. Collection method: clinical testing. Allele origin: germline. Inheritance: Autosomal dominant inheritance. Observed: 1 variant allele, 1 heterozygote.
Comment: This missense variant replaces alanine with threonine at codon 203 of the NF2 protein. Computational prediction suggests that this variant may have deleterious impact on protein structure and function (internally defined REVEL score threshold >= 0.7, PMID: 27666373). To our knowledge, functional studies have not been reported for this variant. This variant has not been reported in individuals affected with NF2-related disorders in the literature. This variant has not been identified in the general population by the Genome Aggregation Database (gnomAD). The available evidence is insufficient to determine the role of this variant in disease conclusively. Therefore, this variant is classified as a Variant of Uncertain Significance.

This study involves interpretation of variants in research participants for the purpose of population health screening. Participant phenotype was not available at the time of variant classification. Additional details can be found in publication PMID: 35346344, PMCID: PMC8962531